The following is an entry in ClinVar:

ClinVar aggregate classification (germline): Uncertain significance. Review status: criteria provided, multiple submitters, no conflicts (2 of 4 stars). 2 submissions from 2 submitters: Uncertain significance (2). Last evaluated 2025-12-21.

Allele frequency attached by ClinVar (database versions not stated): gnomAD exomes below 0.00001 and 0.00001; TOPMed 0.00003; gnomAD 0.00005 and 0.00006.
gnomAD v4.1: 8 of 1,208,828 alleles (0.00066%); highest among the groups gnomAD compares: African/African-American, 0.012%; no homozygotes.

Submissions (2):

Labcorp Genetics (formerly Invitae), Labcorp
Classification: Uncertain significance. Last evaluated: 2025-12-21. Review status: criteria provided, single submitter. Criteria: Invitae Variant Classification Sherloc (09022015). Collection method: clinical testing. Allele origin: germline.
Comment: This sequence change replaces proline, which is neutral and non-polar, with threonine, which is neutral and polar, at codon 712 of the NEXMIF protein (p.Pro712Thr). This variant is present in population databases (no rsID available, gnomAD 0.008%). This variant has not been reported in the literature in individuals affected with NEXMIF-related conditions. ClinVar contains an entry for this variant (Variation ID: 936560). An algorithm developed to predict the effect of missense changes on protein structure and function outputs the following: PolyPhen-2: "Benign". The threonine amino acid residue is found in multiple mammalian species, which suggests that this missense change does not adversely affect protein function. In summary, the available evidence is currently insufficient to determine the role of this variant in disease. Therefore, it has been classified as a Variant of Uncertain Significance.

GeneDx
Classification: Uncertain significance. Last evaluated: 2023-06-02. Review status: criteria provided, single submitter. Criteria: GeneDx Variant Classification Process June 2021. Collection method: clinical testing. Allele origin: germline. Affected: yes.
Comment: In silico analysis supports that this missense variant has a deleterious effect on protein structure/function; Has not been previously published as pathogenic or benign to our knowledge

NM_001008537.3(NEXMIF):c.2134C>A (p.Pro712Thr)

Gene: NEXMIF (neurite extension and migration factor; minus strand). Cytogenetic location: Xq13.3.
Variant type: single nucleotide variant.
Coding change: c.2134C>A on transcript NM_001008537.3 (MANE Select); coding-DNA position 2134, C replaced by A.
Protein change: p.Pro712Thr; replaces proline 712 with threonine.
Molecular consequence: missense variant.
Genome position (GRCh38, 1-based): chrX:74,742,423, G>T on the plus strand (C>A on the coding strand, the complement: NEXMIF is on the minus strand). VCF-style: chrX-74742423-G-T. GRCh37 (hg19) VCF-style: chrX-73962258-G-T.
Other names: c.2134C>A (NM_001008537.1); short protein forms P712T.
Identifiers: ClinVar variation 936560 (VCV000936560.10), dbSNP rs1192882008, ClinGen allele CA413668912.